The following is an entry in ClinVar:

NM_022915.5(MRPL44):c.649-175G>A

Gene: MRPL44 (mitochondrial ribosomal protein L44; plus strand). Cytogenetic location: 2q36.1.
Variant type: single nucleotide variant.
Coding change: c.649-175G>A on transcript NM_022915.5 (MANE Select); 175 bases into the intron before coding-DNA position 649, G replaced by A.
Molecular consequence: intron variant.
Genome position (GRCh38, 1-based): chr2:223,963,581, G>A. VCF-style: chr2-223963581-G-A. GRCh37 (hg19) VCF-style: chr2-224828298-G-A.
Identifiers: ClinVar variation 682635 (VCV000682635.1), dbSNP rs13001719, ClinGen allele CA11099536.

ClinVar aggregate classification (germline): Benign (1 of 4 stars; one submission).

Allele frequency attached by ClinVar (database versions not stated): 1000 Genomes Project 0.42133; 1000 Genomes Project 30x 0.42427; gnomAD 0.44579 and 0.44911; TOPMed 0.44642.

Submission:

GeneDx
Classification: Benign. Last evaluated: 2018-06-14. Review status: criteria provided, single submitter. Criteria: GeneDx Variant Classification (06012015). Collection method: clinical testing. Allele origin: germline. Affected: yes.
Comment: This variant is considered likely benign or benign based on one or more of the following criteria: it is a conservative change, it occurs at a poorly conserved position in the protein, it is predicted to be benign by multiple in silico algorithms, and/or has population frequency not consistent with disease.